The following is an entry in ClinVar:

ClinVar aggregate classification (germline): Benign. Review status: criteria provided, multiple submitters, no conflicts (2 of 4 stars). 4 submissions from 4 submitters: Benign (4). Last evaluated 2026-02-04.

Conditions:
Fraser syndrome 1 (FRASRS1). Also called: CRYPTOPHTHALMOS WITH OTHER MALFORMATIONS. Identifiers: Orphanet 2052, MedGen C4551480, MONDO:0054737, OMIM 219000.

Allele frequency attached by ClinVar (database versions not stated): gnomAD exomes 0.00108 and 0.00285; ExAC 0.00321; 1000 Genomes Project 0.00938; 1000 Genomes Project 30x 0.00999; gnomAD 0.01147 and 0.01240; ESP Exome Variant Server 0.01199; TOPMed 0.01270.
gnomAD v4.1: 3,371 of 1,613,836 alleles (0.21%); highest among the groups gnomAD compares: African/African-American, 3.9%; 60 homozygotes.

Submissions (4):

Labcorp Genetics (formerly Invitae), Labcorp
Classification: Benign. Last evaluated: 2026-02-04. Review status: criteria provided, single submitter. Criteria: Invitae Variant Classification Sherloc (09022015). Collection method: clinical testing. Allele origin: germline.

Mayo Clinic Laboratories, Mayo Clinic
Classification: Benign. Last evaluated: 2024-06-14. Review status: criteria provided, single submitter. Criteria: ACMG Guidelines, 2015. Collection method: clinical testing. Allele origin: germline. Observed: 2 variant alleles.
Comment: BS1, BS2, BP4, BP7

Illumina Laboratory Services, Illumina
Classification: Benign for Fraser syndrome 1. Last evaluated: 2018-01-12. Review status: criteria provided, single submitter. Criteria: ICSL Variant Classification Criteria 13 December 2019. Collection method: clinical testing. Allele origin: germline.
Comment: This variant was observed in the ICSL laboratory as part of a predisposition screen in an ostensibly healthy population. It had not been previously curated by ICSL or reported in the Human Gene Mutation Database (HGMD: prior to June 1st, 2018), and was therefore a candidate for classification through an automated scoring system. Utilizing variant allele frequency, disease prevalence and penetrance estimates, and inheritance mode, an automated score was calculated to assess if this variant is too frequent to cause the disease. Based on the score and internal cut-off values, a variant classified as benign is not then subjected to further curation. The score for this variant resulted in a classification of benign for this disease.

Breakthrough Genomics
Classification: Benign. Review status: criteria provided, single submitter. Criteria: ACMG Guidelines, 2015. Collection method: not provided. Allele origin: germline. Inheritance: Autosomal recessive inheritance. Affected: yes.

NM_025074.7(FRAS1):c.9759A>G (p.Pro3253=)

Gene: FRAS1 (Fraser extracellular matrix complex subunit 1; plus strand). Cytogenetic location: 4q21.21.
Variant type: single nucleotide variant.
Coding change: c.9759A>G on transcript NM_025074.7 (MANE Select); coding-DNA position 9759, A replaced by G.
Protein change: p.Pro3253=; no amino-acid change (proline 3253 retained).
Molecular consequence: synonymous variant.
Genome position (GRCh38, 1-based): chr4:78,508,985, A>G. VCF-style: chr4-78508985-A-G. GRCh37 (hg19) VCF-style: chr4-79430139-A-G.
Other names: p.Pro3253=.
Identifiers: ClinVar variation 349789 (VCV000349789.16), dbSNP rs61741742, ClinGen allele CA2978746.